The following is an entry in ClinVar:

NM_031157.4(HNRNPA1):c.546A>G (p.Ser182=)

Gene: HNRNPA1 (heterogeneous nuclear ribonucleoprotein A1; plus strand). Cytogenetic location: 12q13.13.
Variant type: single nucleotide variant.
Coding change: c.546A>G on transcript NM_031157.4 (MANE Select); coding-DNA position 546, A replaced by G.
Protein change: p.Ser182=; no amino-acid change (serine 182 retained).
Molecular consequence: synonymous variant. On other transcripts: non-coding transcript variant (1).
Genome position (GRCh38, 1-based): chr12:54,282,449, A>G. VCF-style: chr12-54282449-A-G. GRCh37 (hg19) VCF-style: chr12-54676233-A-G.
Other names: p.Ser182=; c.546A>G, p.Ser182= (NM_002136.4).
Identifiers: ClinVar variation 704028 (VCV000704028.30), dbSNP rs200707918, ClinGen allele CA6606236.

ClinVar aggregate classification (germline): Benign/Likely benign. Review status: criteria provided, multiple submitters, no conflicts (2 of 4 stars). 6 submissions from 6 submitters: Benign (1); Likely benign (3). 2 of the submissions do not count toward it. Last evaluated 2026-09-01.

Allele frequency attached by ClinVar (database versions not stated): 1000 Genomes Project 0.00060; 1000 Genomes Project 30x 0.00062; TOPMed 0.00063; gnomAD 0.00066 and 0.00076; ESP Exome Variant Server 0.00071; gnomAD exomes 0.00098 and 0.00106; ExAC 0.00120.
gnomAD v4.1: 1,537 of 1,613,580 alleles (0.095%); highest among the groups gnomAD compares: South Asian, 0.46%; 4 homozygotes.

Submissions (6):

CeGaT Center for Human Genetics Tuebingen
Classification: Likely benign. Last evaluated: 2026-09-01. Review status: criteria provided, single submitter. Criteria: CeGaT Center For Human Genetics Tuebingen Variant Classification Criteria Version 2. Collection method: clinical testing. Allele origin: germline. Affected: yes. Observed: 4 variant alleles.
Comment: HNRNPA1: BP4, BP7

Mayo Clinic Laboratories, Mayo Clinic
Classification: Likely benign. Last evaluated: 2025-09-02. Review status: criteria provided, single submitter. Criteria: ACMG Guidelines, 2015. Collection method: clinical testing. Allele origin: germline. Observed: 1 variant allele.
Comment: BS2, BP4, BP7

Blueprint Genetics
Classification: Likely benign. Last evaluated: 2024-10-18. Review status: criteria provided, single submitter. Criteria: ACMG Guidelines, 2015. Collection method: clinical testing. Allele origin: germline.

Labcorp Genetics (formerly Invitae), Labcorp
Classification: Benign. Last evaluated: 2019-12-31. Review status: criteria provided, single submitter. Criteria: Invitae Variant Classification Sherloc (09022015). Collection method: clinical testing. Allele origin: germline.

Clinical Genetics DNA and cytogenetics Diagnostics Lab, Erasmus MC, Erasmus Medical Center
Classification: Likely benign. Review status: no assertion criteria provided. Collection method: clinical testing. Allele origin: germline. Affected: yes. Study: VKGL Data-share Consensus. Not counted in ClinVar's aggregate classification.

Genome Diagnostics Laboratory, University Medical Center Utrecht
Classification: Likely benign. Review status: no assertion criteria provided. Collection method: clinical testing. Allele origin: germline. Affected: yes. Study: VKGL Data-share Consensus. Not counted in ClinVar's aggregate classification.